The following is an entry in ClinVar:

ClinVar aggregate classification (germline): Conflicting classifications of pathogenicity. Review status: criteria provided, conflicting classifications (1 of 4 stars). 5 submissions from 5 submitters: Uncertain significance (1); Likely benign (3). 1 of the submissions does not count toward it. Last evaluated 2026-01-20.

Conditions:
Xeroderma pigmentosum (XP). Identifiers: Orphanet 910, MedGen C0043346, MONDO:0019600.
ERCC3-related disorder. Also called: ERCC3-related condition.
Xeroderma pigmentosum group B. Also called: XERODERMA PIGMENTOSUM B/COCKAYNE SYNDROME; ERCC3-Related Xeroderma Pigmentosum; XPB/CS; XP, GROUP B. Identifiers: MedGen C0268136, MONDO:0012531, OMIM 610651.

Allele frequency attached by ClinVar (database versions not stated): gnomAD exomes 0.00016 and 0.00034; TOPMed 0.00020; gnomAD 0.00022 and 0.00024; ESP Exome Variant Server 0.00023; ExAC 0.00026.
gnomAD v4.1: 526 of 1,614,056 alleles (0.033%); highest among the groups gnomAD compares: Non-Finnish European, 0.042%; 1 homozygote.

Submissions (5):

Labcorp Genetics (formerly Invitae), Labcorp
Classification: Likely benign. Last evaluated: 2026-01-20. Review status: criteria provided, single submitter. Criteria: Invitae Variant Classification Sherloc (09022015). Collection method: clinical testing. Allele origin: germline.

CeGaT Center for Human Genetics Tuebingen
Classification: Likely benign. Last evaluated: 2024-10-01. Review status: criteria provided, single submitter. Criteria: CeGaT Center For Human Genetics Tuebingen Variant Classification Criteria Version 2. Collection method: clinical testing. Allele origin: germline. Affected: yes. Observed: 2 variant alleles.
Comment: ERCC3: BP4, BP7

Sema4
Classification: Likely benign for Xeroderma pigmentosum. Last evaluated: 2021-09-23. Review status: criteria provided, single submitter. Criteria: Sema4 Curation Guidelines. Collection method: curation. Allele origin: germline.

Illumina Laboratory Services, Illumina
Classification: Uncertain significance for Xeroderma pigmentosum group B. Last evaluated: 2018-01-13. Review status: criteria provided, single submitter. Criteria: ICSL Variant Classification Criteria 13 December 2019. Collection method: clinical testing. Allele origin: germline.

PreventionGenetics, part of Exact Sciences
Classification: Likely benign for ERCC3-related condition. Last evaluated: 2020-01-30. Review status: no assertion criteria provided. Collection method: clinical testing. Allele origin: germline. Not counted in ClinVar's aggregate classification.
Comment: This variant is classified as likely benign based on ACMG/AMP sequence variant interpretation guidelines (Richards et al. 2015 PMID: 25741868, with internal and published modifications).

NM_000122.2(ERCC3):c.2226G>A (p.Arg742=)

Gene: ERCC3 (ERCC excision repair 3, TFIIH core complex helicase subunit; minus strand). Cytogenetic location: 2q14.3.
Variant type: single nucleotide variant.
Coding change: c.2226G>A on transcript NM_000122.2 (MANE Select); coding-DNA position 2226, G replaced by A.
Protein change: p.Arg742=; no amino-acid change (arginine 742 retained).
Molecular consequence: synonymous variant.
Genome position (GRCh38, 1-based): chr2:127,257,719, C>T on the plus strand (G>A on the coding strand, the complement: ERCC3 is on the minus strand). VCF-style: chr2-127257719-C-T. GRCh37 (hg19) VCF-style: chr2-128015295-C-T.
Other names: c.2034G>A, p.Arg678= (NM_001303416.2, NM_001303418.2).
Identifiers: ClinVar variation 710683 (VCV000710683.38), dbSNP rs376593226, ClinGen allele CA1858031.